The following is an entry in ClinVar:

NM_006767.4(LZTR1):c.1403G>A (p.Arg468His)

Gene: LZTR1 (leucine zipper like post translational regulator 1; plus strand). Cytogenetic location: 22q11.21.
Variant type: single nucleotide variant.
Coding change: c.1403G>A on transcript NM_006767.4 (MANE Select); coding-DNA position 1403, G replaced by A.
Protein change: p.Arg468His; replaces arginine 468 with histidine.
Molecular consequence: missense variant.
Genome position (GRCh38, 1-based): chr22:20,993,973, G>A. VCF-style: chr22-20993973-G-A. GRCh37 (hg19) VCF-style: chr22-21348262-G-A.
Other names: short protein forms R468H.
Identifiers: ClinVar variation 1492912 (VCV001492912.13), dbSNP rs146427018, ClinGen allele CA10118874.

ClinVar aggregate classification (germline): Uncertain significance. Review status: criteria provided, multiple submitters, no conflicts (2 of 4 stars). 6 submissions from 6 submitters: Uncertain significance (6). Last evaluated 2026-01-19.

Conditions:
LZTR1-related schwannomatosis. Also called: Schwannomatosis 2; Schwannomatosis-2, susceptibility to. Identifiers: Orphanet 93921, MedGen C3810283, MONDO:0014299, OMIM 615670.
Noonan syndrome 10 (NS10). Identifiers: Orphanet 648, MedGen C4225280, MONDO:0014693, OMIM 616564.
Noonan syndrome 2 (NS2). Identifiers: Orphanet 648, MedGen C1854469, MONDO:0011531, OMIM 605275.
Hereditary cancer-predisposing syndrome. Also called: Tumor predisposition; Hereditary neoplastic syndrome; Neoplastic Syndromes, Hereditary; Hereditary Cancer Syndrome. Identifiers: Orphanet 140162, MedGen C0027672, MeSH D009386, MONDO:0015356.
Cardiovascular phenotype. Identifiers: MedGen CN230736.

Allele frequency attached by ClinVar (database versions not stated): gnomAD exomes 0.00001; gnomAD 0.00004; ESP Exome Variant Server 0.00008; 1000 Genomes Project 30x 0.00016; 1000 Genomes Project 0.00020.
gnomAD v4.1: 21 of 1,612,384 alleles (0.0013%); highest among the groups gnomAD compares: Middle Eastern, 0.017%; no homozygotes.

Submissions (6):

Labcorp Genetics (formerly Invitae), Labcorp
Classification: Uncertain significance. Last evaluated: 2026-01-19. Review status: criteria provided, single submitter. Criteria: Invitae Variant Classification Sherloc (09022015). Collection method: clinical testing. Allele origin: germline.
Comment: This sequence change replaces arginine, which is basic and polar, with histidine, which is basic and polar, at codon 468 of the LZTR1 protein (p.Arg468His). The frequency data for this variant in the population databases is considered unreliable, as metrics indicate poor data quality at this position in the gnomAD database. This variant has not been reported in the literature in individuals affected with LZTR1-related conditions. ClinVar contains an entry for this variant (Variation ID: 1492912). Invitae Evidence Modeling of protein sequence and biophysical properties (such as structural, functional, and spatial information, amino acid conservation, physicochemical variation, residue mobility, and thermodynamic stability) indicates that this missense variant is not expected to disrupt LZTR1 protein function with a negative predictive value of 80%. In summary, the available evidence is currently insufficient to determine the role of this variant in disease. Therefore, it has been classified as a Variant of Uncertain Significance.

Ambry Genetics
Classification: Uncertain significance for Cardiovascular phenotype; Hereditary cancer-predisposing syndrome. Last evaluated: 2025-05-05. Review status: criteria provided, single submitter. Criteria: Ambry Variant Classification Scheme 2023. Collection method: clinical testing. Allele origin: germline.
Comment: The p.R468H variant (also known as c.1403G>A), located in coding exon 13 of the LZTR1 gene, results from a G to A substitution at nucleotide position 1403. The arginine at codon 468 is replaced by histidine, an amino acid with highly similar properties. This amino acid position is not well conserved in available vertebrate species. In addition, this alteration is predicted to be tolerated by in silico analysis. Based on the available evidence, the clinical significance of this variant remains unclear.

GeneDx
Classification: Uncertain significance. Last evaluated: 2024-06-17. Review status: criteria provided, single submitter. Criteria: GeneDx Variant Classification Process June 2021. Collection method: clinical testing. Allele origin: germline. Affected: yes.
Comment: In silico analysis indicates that this missense variant does not alter protein structure/function; Has not been previously published as pathogenic or benign to our knowledge

Clinical Genomics Laboratory, Washington University in St. Louis
Classification: Uncertain significance for Noonan syndrome 2. Last evaluated: 2024-02-03. Review status: criteria provided, single submitter. Criteria: ACMG Guidelines, 2015. Collection method: clinical testing. Allele origin: germline.
Comment: The LZTR1 c.1403G>A (p.Arg468His) variant was identified at a near heterozygous allele fraction of 51%, a frequency which may be consistent with it being of germline origin. This variant, to our knowledge, has not been reported in LZTR1-related disorders in the medical literature. This variant has been reported in the ClinVar database as a VUS in a germline state by multiple submitters (ClinVar Variation ID: 1492912). This variant is observed on 21/1,612,384 alleles in the general population (gnomAD v4.0.0). Computational predictors suggest that this variant does not impact LZTR1 function. Due to limited information, and based on ACMG/AMP guidelines for variant interpretation (Richards S et al., PMID: 25741868), the clinical significance of the LZTR1 c.1403G>A (p.Arg468His) variant is uncertain at this time.

Fulgent Genetics
Classification: Uncertain significance for Noonan syndrome 2; LZTR1-related schwannomatosis; Noonan syndrome 10. Last evaluated: 2024-01-19. Review status: criteria provided, single submitter. Criteria: ACMG Guidelines, 2015. Collection method: clinical testing. Allele origin: germline.

Baylor Genetics
Classification: Uncertain significance for LZTR1-related schwannomatosis. Last evaluated: 2023-12-12. Review status: criteria provided, single submitter. Criteria: ACMG Guidelines, 2015. Collection method: clinical testing. Allele origin: unknown.